The following is an entry in ClinVar:

ClinVar aggregate classification (germline): Uncertain significance. Review status: criteria provided, multiple submitters, no conflicts (2 of 4 stars). 4 submissions from 4 submitters: Uncertain significance (4). Last evaluated 2026-01-12.

Conditions:
Cardiovascular phenotype. Identifiers: MedGen CN230736.
Cardiofaciocutaneous syndrome 3 (CFC3). Also called: MAP2K1-Related Cardiofaciocutaneous Syndrome. Identifiers: Orphanet 1340, MedGen C3809006, MONDO:0014113, OMIM 615279.
Melorheostosis (MEL). Also called: MELORHEOSTOSIS, ISOLATED. Identifiers: Orphanet 2485, MedGen C3149631, MONDO:0007970, OMIM 155950, HP:6000817.
RASopathy. Also called: rasopathies; Noonan spectrum disorder. Identifiers: Orphanet 536391, MedGen C5555857, MONDO:0021060.

Allele frequency attached by ClinVar (database versions not stated): gnomAD 0.00001 and 0.00002; gnomAD exomes 0.00001; TOPMed 0.00002; ExAC 0.00002; ESP Exome Variant Server 0.00008.
gnomAD v4.1: 17 of 1,614,090 alleles (0.0011%); highest among the groups gnomAD compares: African/African-American, 0.0053%; no homozygotes.

Submissions (4):

Labcorp Genetics (formerly Invitae), Labcorp
Classification: Uncertain significance for RASopathy. Last evaluated: 2026-01-12. Review status: criteria provided, single submitter. Criteria: Invitae Variant Classification Sherloc (09022015). Collection method: clinical testing. Allele origin: germline.
Comment: This sequence change replaces isoleucine, which is neutral and non-polar, with valine, which is neutral and non-polar, at codon 379 of the MAP2K1 protein (p.Ile379Val). This variant is present in population databases (rs373794940, gnomAD 0.002%). This variant has not been reported in the literature in individuals affected with MAP2K1-related conditions. ClinVar contains an entry for this variant (Variation ID: 659397). Invitae Evidence Modeling of protein sequence and biophysical properties (such as structural, functional, and spatial information, amino acid conservation, physicochemical variation, residue mobility, and thermodynamic stability) indicates that this missense variant is not expected to disrupt MAP2K1 protein function with a negative predictive value of 95%. In summary, the available evidence is currently insufficient to determine the role of this variant in disease. Therefore, it has been classified as a Variant of Uncertain Significance.

Ambry Genetics
Classification: Uncertain significance for Cardiovascular phenotype. Last evaluated: 2025-08-20. Review status: criteria provided, single submitter. Criteria: Ambry Variant Classification Scheme 2023. Collection method: clinical testing. Allele origin: germline.
Comment: The p.I379V variant (also known as c.1135A>G), located in coding exon 11 of the MAP2K1 gene, results from an A to G substitution at nucleotide position 1135. The isoleucine at codon 379 is replaced by valine, an amino acid with highly similar properties. This amino acid position is conserved. In addition, the in silico prediction for this alteration is inconclusive. Based on the available evidence, the clinical significance of this variant remains unclear.

Revvity Omics, Revvity
Classification: Uncertain significance for Cardiofaciocutaneous syndrome 3. Last evaluated: 2024-09-16. Review status: criteria provided, single submitter. Criteria: ACMG Guidelines, 2015. Collection method: clinical testing. Allele origin: germline.

Fulgent Genetics
Classification: Uncertain significance for Melorheostosis; Cardiofaciocutaneous syndrome 3. Last evaluated: 2024-05-13. Review status: criteria provided, single submitter. Criteria: ACMG Guidelines, 2015. Collection method: clinical testing. Allele origin: germline.

NM_002755.4(MAP2K1):c.1135A>G (p.Ile379Val)

Genes: MAP2K1 (mitogen-activated protein kinase kinase 1; plus strand), SNAPC5 (small nuclear RNA activating complex polypeptide 5; minus strand). Cytogenetic location: 15q22.31.
Variant type: single nucleotide variant.
Coding change: c.1135A>G on transcript NM_002755.4 (MANE Select); coding-DNA position 1135, A replaced by G.
Protein change: p.Ile379Val; replaces isoleucine 379 with valine.
Molecular consequence: missense variant. On other transcripts: 3 prime UTR variant (1), non-coding transcript variant (1).
Genome position (GRCh38, 1-based): chr15:66,490,568, A>G. VCF-style: chr15-66490568-A-G. GRCh37 (hg19) VCF-style: chr15-66782906-A-G.
Other names: c.*171T>C (NM_006049.4); c.991A>G, p.Ile331Val (NM_001411065.1); short protein forms I379V, I331V.
Identifiers: ClinVar variation 659397 (VCV000659397.11), dbSNP rs373794940, ClinGen allele CA7624169.